The following is an entry in ClinVar:

ClinVar aggregate classification (germline): Uncertain significance (1 of 4 stars; one submission).

gnomAD v4.1: 296 of 1,605,944 alleles (0.018%); highest among the groups gnomAD compares: Non-Finnish European, 0.024%; no homozygotes.

Submission:

GeneDx
Classification: Uncertain significance. Last evaluated: 2025-05-29. Review status: criteria provided, single submitter. Criteria: GeneDx Variant Classification Process June 2021. Collection method: clinical testing. Allele origin: germline. Affected: yes.
Comment: In silico analysis supports that this missense variant has a deleterious effect on protein structure/function; Has not been previously published as pathogenic or benign to our knowledge

NM_207361.6(FREM2):c.6929T>C (p.Ile2310Thr)

Gene: FREM2 (FRAS1 related extracellular matrix 2; plus strand). Cytogenetic location: 13q13.3.
Variant type: single nucleotide variant.
Coding change: c.6929T>C on transcript NM_207361.6 (MANE Select); coding-DNA position 6929, T replaced by C.
Protein change: p.Ile2310Thr; replaces isoleucine 2310 with threonine.
Molecular consequence: missense variant.
Genome position (GRCh38, 1-based): chr13:38,856,129, T>C. VCF-style: chr13-38856129-T-C. GRCh37 (hg19) VCF-style: chr13-39430266-T-C.
Other names: short protein forms I2310T.
Identifiers: ClinVar variation 4532625 (VCV004532625.1).